The following is an entry in ClinVar:

NC_000020.10:g.(?_25371129)_(25371339_?)del

Gene: ABHD12 (abhydrolase domain containing 12, lysophospholipase; minus strand). Cytogenetic location: 20p11.21.
Variant type: Deletion.
Identifiers: ClinVar variation 1072225 (VCV001072225.6).

ClinVar aggregate classification (germline): Pathogenic (1 of 4 stars; one submission).

Submission:

Labcorp Genetics (formerly Invitae), Labcorp
Classification: Pathogenic. Last evaluated: 2024-01-03. Review status: criteria provided, single submitter. Criteria: Invitae Variant Classification Sherloc (09022015). Collection method: clinical testing. Allele origin: germline.
Comment: This variant is a gross deletion of the genomic region encompassing exon(s) 1 of the ABHD12 gene, which includes the initiator codon. This deletion extends beyond the assayed region for this gene and therefore may encompass additional genes. It is expected to result in an absent or disrupted protein product. Loss-of-function variants in ABHD12 are known to be pathogenic (PMID: 20797687). A similar copy number variant has been observed in individual(s) with polyneuropathy, hearing loss, ataxia, retinitis pigmentosa, and cataract (PHARC) (PMID: 20797687). For these reasons, this variant has been classified as Pathogenic.

Literature cited by the submitters: PubMed 20797687.